The following is an entry in ClinVar:

ClinVar aggregate classification (germline): Conflicting classifications of pathogenicity. Review status: criteria provided, conflicting classifications (1 of 4 stars). 3 submissions from 3 submitters: Likely pathogenic (1); Uncertain significance (1). 1 of the submissions does not count toward it. Last evaluated 2024-01-08.

Conditions:
Familial long QT syndrome (RWS). Also called: Congenital long QT syndrome; Romano-Ward syndrome; VENTRICULAR FIBRILLATION WITH PROLONGED QT INTERVAL. Identifiers: Orphanet 768, MedGen C1141890, MONDO:0019171.
Long QT syndrome (LQTS). Identifiers: MedGen C0023976, MeSH D008133, MONDO:0002442. Disease mechanism: loss of function. Inheritance: Various modes of inheritance.

Submissions (3):

Dept of Medical Biology, Uskudar University
Classification: Likely pathogenic for Long QT syndrome. Last evaluated: 2024-01-08. Review status: criteria provided, single submitter. Criteria: Dept of Medical Biology Variant Classification. Collection method: research. Allele origin: maternal. Affected: yes. Observed: 1 variant allele.
Comment: Criteria: PS4_Moderate, PM5, PM2, PP3

Labcorp Genetics (formerly Invitae), Labcorp
Classification: Uncertain significance for Long QT syndrome. Last evaluated: 2022-07-26. Review status: criteria provided, single submitter. Criteria: Invitae Variant Classification Sherloc (09022015). Collection method: clinical testing. Allele origin: germline.
Comment: Experimental studies have shown that this missense change affects KCNQ1 function (PMID: 25037568). Algorithms developed to predict the effect of missense changes on protein structure and function are either unavailable or do not agree on the potential impact of this missense change (SIFT: "Deleterious"; PolyPhen-2: "Probably Damaging"; Align-GVGD: "Class C0"). ClinVar contains an entry for this variant (Variation ID: 67048). This missense change has been observed in individual(s) with long QT syndrome (PMID: 12566525, 22456477). This variant is not present in population databases (gnomAD no frequency). This sequence change replaces arginine, which is basic and polar, with methionine, which is neutral and non-polar, at codon 562 of the KCNQ1 protein (p.Arg562Met). This variant also falls at the last nucleotide of exon 13, which is part of the consensus splice site for this exon. Variants that disrupt the consensus splice site are a relatively common cause of aberrant splicing (PMID: 17576681, 9536098). Algorithms developed to predict the effect of sequence changes on RNA splicing suggest that this variant may disrupt the consensus splice site. In summary, the available evidence is currently insufficient to determine the role of this variant in disease. Therefore, it has been classified as a Variant of Uncertain Significance.

Cardiovascular Biomedical Research Unit, Royal Brompton & Harefield NHS Foundation Trust
No classification provided. Condition: Familial long QT syndrome. Review status: no classification provided. Collection method: literature only. Allele origin: germline. Not counted in ClinVar's aggregate classification.
Comment: This variant has been reported as associated with Long QT syndrome in the following publications (PMID:12566525;PMID:17470695). This is a literature report, and does not necessarily reflect the clinical interpretation of the Imperial College / Royal Brompton Cardiovascular Genetics laboratory.

Literature cited by the submitters: PubMed 25037568 (cited by Labcorp Genetics (formerly Invitae), Labcorp); PubMed 12566525 (cited by Labcorp Genetics (formerly Invitae), Labcorp and Cardiovascular Biomedical Research Unit, Royal Brompton & Harefield NHS Foundation Trust); PubMed 22456477 (cited by Labcorp Genetics (formerly Invitae), Labcorp); PubMed 17576681 (cited by Labcorp Genetics (formerly Invitae), Labcorp); PubMed 9536098 (cited by Labcorp Genetics (formerly Invitae), Labcorp); PubMed 17470695 (cited by Cardiovascular Biomedical Research Unit, Royal Brompton & Harefield NHS Foundation Trust); PubMed 22581653 (cited by Cardiovascular Biomedical Research Unit, Royal Brompton & Harefield NHS Foundation Trust).

NM_000218.3(KCNQ1):c.1685G>T (p.Arg562Met)

Gene: KCNQ1 (potassium voltage-gated channel subfamily Q member 1; plus strand). Cytogenetic location: 11p15.5.
Variant type: single nucleotide variant.
Coding change: c.1685G>T on transcript NM_000218.3 (MANE Select); coding-DNA position 1685, G replaced by T.
Protein change: p.Arg562Met; replaces arginine 562 with methionine.
Molecular consequence: missense variant.
Genome position (GRCh38, 1-based): chr11:2,776,054, G>T. VCF-style: chr11-2776054-G-T. GRCh37 (hg19) VCF-style: chr11-2797284-G-T.
Other names: c.1685G>T (LRG_287t1); c.1589G>T, p.Arg530Met (NM_001406836.1); c.1415G>T, p.Arg472Met (NM_001406837.1); c.1145G>T, p.Arg382Met (NM_001406838.1); c.1304G>T, p.Arg435Met (NM_181798.2); short protein forms R562M, R435M, R472M, R382M, R530M.
Identifiers: ClinVar variation 67048 (VCV000067048.11), dbSNP rs199472802, ClinGen allele CA006176.